The following is an entry in ClinVar:

NM_001040108.2(MLH3):c.3767C>A (p.Ser1256Tyr)

Gene: MLH3 (mutL homolog 3; minus strand). Cytogenetic location: 14q24.3.
Variant type: single nucleotide variant.
Coding change: c.3767C>A on transcript NM_001040108.2 (MANE Select); coding-DNA position 3767, C replaced by A.
Protein change: p.Ser1256Tyr; replaces serine 1256 with tyrosine.
Molecular consequence: missense variant.
Genome position (GRCh38, 1-based): chr14:75,032,128, G>T on the plus strand (C>A on the coding strand, the complement: MLH3 is on the minus strand). VCF-style: chr14-75032128-G-T. GRCh37 (hg19) VCF-style: chr14-75498831-G-T.
Other names: c.3695C>A, p.Ser1232Tyr (NM_014381.3); short protein forms S1256Y, S1232Y.
Identifiers: ClinVar variation 2448673 (VCV002448673.2), dbSNP rs2503132257, ClinGen allele CA390424934.

ClinVar aggregate classification (germline): Uncertain significance (1 of 4 stars; one submission).

Submission:

Ambry Genetics
Classification: Uncertain significance. Last evaluated: 2023-02-25. Review status: criteria provided, single submitter. Criteria: Ambry Variant Classification Scheme 2023. Collection method: clinical testing. Allele origin: germline.
Comment: The p.S1256Y variant (also known as c.3767C>A), located in coding exon 7 of the MLH3 gene, results from a C to A substitution at nucleotide position 3767. The serine at codon 1256 is replaced by tyrosine, an amino acid with dissimilar properties. This amino acid position is conserved. In addition, the in silico prediction for this alteration is inconclusive. Since supporting evidence is limited at this time, the clinical significance of this alteration remains unclear.